The following is an entry in ClinVar:

NM_001042424.3(NSD2):c.1088C>A (p.Ala363Asp)

Gene: NSD2 (nuclear receptor binding SET domain protein 2; plus strand). Cytogenetic location: 4p16.3.
Variant type: single nucleotide variant.
Coding change: c.1088C>A on transcript NM_001042424.3 (MANE Select); coding-DNA position 1088, C replaced by A.
Protein change: p.Ala363Asp; replaces alanine 363 with aspartic acid.
Molecular consequence: missense variant.
Genome position (GRCh38, 1-based): chr4:1,918,301, C>A. VCF-style: chr4-1918301-C-A. GRCh37 (hg19) VCF-style: chr4-1920028-C-A.
Other names: c.1088C>A, p.Ala363Asp (NM_007331.2, NM_133330.3, NM_133331.3 and 2 more transcripts); short protein forms A363D.
Identifiers: ClinVar variation 2501382 (VCV002501382.1), dbSNP rs2474340795, ClinGen allele CA356005166.

ClinVar aggregate classification (germline): Uncertain significance (1 of 4 stars; one submission).

Allele frequency attached by ClinVar (database versions not stated): gnomAD exomes 0.00001.
gnomAD v4.1: 15 of 1,614,052 alleles (0.00093%); highest among the groups gnomAD compares: Non-Finnish European, 0.0013%; no homozygotes.

Submission:

GeneDx
Classification: Uncertain significance. Last evaluated: 2022-11-07. Review status: criteria provided, single submitter. Criteria: GeneDx Variant Classification Process June 2021. Collection method: clinical testing. Allele origin: germline. Affected: yes.
Comment: Not observed at significant frequency in large population cohorts (gnomAD); In silico analysis supports that this missense variant does not alter protein structure/function; Has not been previously published as pathogenic or benign to our knowledge